The following is an entry in ClinVar:

NM_004260.4(RECQL4):c.391G>A (p.Gly131Arg)

Gene: RECQL4 (RecQ like helicase 4; minus strand). Cytogenetic location: 8q24.3.
Variant type: single nucleotide variant.
Coding change: c.391G>A on transcript NM_004260.4 (MANE Select); coding-DNA position 391, G replaced by A.
Protein change: p.Gly131Arg; replaces glycine 131 with arginine.
Molecular consequence: missense variant.
Genome position (GRCh38, 1-based): chr8:144,516,728, C>T on the plus strand (G>A on the coding strand, the complement: RECQL4 is on the minus strand). VCF-style: chr8-144516728-C-T. GRCh37 (hg19) VCF-style: chr8-145742112-C-T.
Other names: short protein forms G131R.
Identifiers: ClinVar variation 837019 (VCV000837019.9), dbSNP rs561427528, ClinGen allele CA4949307.

ClinVar aggregate classification (germline): Conflicting classifications of pathogenicity. Review status: criteria provided, conflicting classifications (1 of 4 stars). 3 submissions from 3 submitters: Uncertain significance (2); Likely benign (1). Last evaluated 2025-12-17.

Conditions:
Baller-Gerold syndrome (BGS). Also called: CRANIOSYNOSTOSIS WITH RADIAL DEFECTS. Identifiers: Orphanet 1225, MedGen C0265308, MONDO:0009039, OMIM 218600.
Inborn genetic diseases. Identifiers: MedGen C0950123, MeSH D030342.
Hereditary cancer-predisposing syndrome. Also called: Neoplastic Syndromes, Hereditary; Hereditary neoplastic syndrome; Tumor predisposition; Hereditary Cancer Syndrome. Identifiers: Orphanet 140162, MedGen C0027672, MeSH D009386, MONDO:0015356.

Allele frequency attached by ClinVar (database versions not stated): TOPMed 0.00001.

Submissions (3):

Labcorp Genetics (formerly Invitae), Labcorp
Classification: Uncertain significance for Baller-Gerold syndrome. Last evaluated: 2025-12-17. Review status: criteria provided, single submitter. Criteria: Invitae Variant Classification Sherloc (09022015). Collection method: clinical testing. Allele origin: germline.
Comment: This sequence change replaces glycine, which is neutral and non-polar, with arginine, which is basic and polar, at codon 131 of the RECQL4 protein (p.Gly131Arg). This variant is present in population databases (rs561427528, gnomAD 0.001%). This variant has not been reported in the literature in individuals affected with RECQL4-related conditions. ClinVar contains an entry for this variant (Variation ID: 837019). Invitae Evidence Modeling of protein sequence and biophysical properties (such as structural, functional, and spatial information, amino acid conservation, physicochemical variation, residue mobility, and thermodynamic stability) indicates that this missense variant is not expected to disrupt RECQL4 protein function with a negative predictive value of 80%. In summary, the available evidence is currently insufficient to determine the role of this variant in disease. Therefore, it has been classified as a Variant of Uncertain Significance.

Ambry Genetics
Classification: Likely benign for Inborn genetic diseases. Last evaluated: 2025-02-17. Review status: criteria provided, single submitter. Criteria: Ambry Variant Classification Scheme 2023. Collection method: clinical testing. Allele origin: germline.

Sema4
Classification: Uncertain significance for Hereditary cancer-predisposing syndrome. Last evaluated: 2021-05-14. Review status: criteria provided, single submitter. Criteria: Sema4 Curation Guidelines. Collection method: curation. Allele origin: germline.
Comment: The RECQL4 c.391G>A (p.G131R) variant has not been reported in the literature to our knowledge. It was observed in 1/86096 chromosomes of the Non-Finnish European subpopulation in the large and broad cohorts of the Genome Aggregation Database (PMID: 32461654). The variant has been reported in ClinVar (Variation ID 837019). In silico tools suggest the impact of the variant on protein function is benign, though these predictions have not been confirmed by functional studies. The evidence is insufficient to meet ACMG/AMP criteria for classifying the variant as benign or pathogenic. Thus, the clinical significance of this variant is currently uncertain.